The following is an entry in ClinVar:

ClinVar aggregate classification (germline): Uncertain significance (1 of 4 stars; one submission).

Allele frequency attached by ClinVar (database versions not stated): gnomAD 0.00001; TOPMed 0.00001.
gnomAD v4.1: 2 of 1,612,734 alleles (0.00012%); highest among the groups gnomAD compares: African/African-American, 0.0013%; no homozygotes.

Submission:

Labcorp Genetics (formerly Invitae), Labcorp
Classification: Uncertain significance. Last evaluated: 2022-05-10. Review status: criteria provided, single submitter. Criteria: Invitae Variant Classification Sherloc (09022015). Collection method: clinical testing. Allele origin: germline.
Comment: This variant is not present in population databases (gnomAD no frequency). This sequence change replaces valine, which is neutral and non-polar, with alanine, which is neutral and non-polar, at codon 594 of the LRP2 protein (p.Val594Ala). This variant has not been reported in the literature in individuals affected with LRP2-related conditions. Advanced modeling of protein sequence and biophysical properties (such as structural, functional, and spatial information, amino acid conservation, physicochemical variation, residue mobility, and thermodynamic stability) performed at Invitae indicates that this missense variant is expected to disrupt LRP2 protein function. In summary, the available evidence is currently insufficient to determine the role of this variant in disease. Therefore, it has been classified as a Variant of Uncertain Significance.

NM_004525.3(LRP2):c.1781T>C (p.Val594Ala)

Gene: LRP2 (LDL receptor related protein 2; minus strand). Cytogenetic location: 2q31.1.
Variant type: single nucleotide variant.
Coding change: c.1781T>C on transcript NM_004525.3 (MANE Select); coding-DNA position 1781, T replaced by C.
Protein change: p.Val594Ala; replaces valine 594 with alanine.
Molecular consequence: missense variant.
Genome position (GRCh38, 1-based): chr2:169,275,230, A>G on the plus strand (T>C on the coding strand, the complement: LRP2 is on the minus strand). VCF-style: chr2-169275230-A-G. GRCh37 (hg19) VCF-style: chr2-170131740-A-G.
Other names: short protein forms V594A.
Identifiers: ClinVar variation 2134147 (VCV002134147.4), dbSNP rs1683521120, ClinGen allele CA349143872.